The following is an entry in ClinVar:

NM_001184880.2(PCDH19):c.800_802del (p.Glu267del)

Gene: PCDH19 (protocadherin 19; minus strand). Cytogenetic location: Xq22.1.
Variant type: Deletion.
Coding change: c.800_802del on transcript NM_001184880.2 (MANE Select); coding-DNA positions 800 to 802, 3 bases deleted (AGG; older notation c.800_802delAGG).
Protein change: p.Glu267del; deletes glutamic acid 267.
Molecular consequence: inframe deletion.
Genome position (GRCh38, 1-based): chrX:100,407,796-100,407,798, CCT deleted on the plus strand (AGG on the coding strand, the reverse complement: PCDH19 is on the minus strand); deleting any 3 consecutive bases within chrX:100,407,796-100,407,799 gives the same sequence; the c. name uses the placement nearest the transcript's 3' end. VCF-style (leftmost placement, unchanged base first): chrX-100407795-CCCT-C. GRCh37 (hg19) VCF-style: chrX-99662793-CCCT-C.
Other names: c.800_802del, p.Glu267del (NM_001105243.2, NM_020766.3); short protein forms E267del.
Identifiers: ClinVar variation 2748424 (VCV002748424.3), dbSNP rs2520989615, ClinGen allele CA2697553224.

ClinVar aggregate classification (germline): Uncertain significance (1 of 4 stars; one submission).

Conditions:
Developmental and epileptic encephalopathy, 9 (DEE9). Also called: Early infantile epileptic encephalopathy 9; EPILEPSY, FEMALE-RESTRICTED, WITH MENTAL RETARDATION; JUBERG-HELLMAN SYNDROME; PCDH19-Related X-Linked Female-Limited Epilepsy with Mental Retardation. Identifiers: Orphanet 101039, Orphanet 2076, MedGen C1848137, MONDO:0010246, OMIM 300088. Disease mechanism: loss of function.

Submission:

Labcorp Genetics (formerly Invitae), Labcorp
Classification: Uncertain significance for Developmental and epileptic encephalopathy, 9. Last evaluated: 2023-07-30. Review status: criteria provided, single submitter. Criteria: Invitae Variant Classification Sherloc (09022015). Collection method: clinical testing. Allele origin: germline.
Comment: This variant has not been reported in the literature in individuals affected with PCDH19-related conditions. In summary, the available evidence is currently insufficient to determine the role of this variant in disease. Therefore, it has been classified as a Variant of Uncertain Significance. Experimental studies and prediction algorithms are not available or were not evaluated, and the functional significance of this variant is currently unknown. This variant is not present in population databases (gnomAD no frequency). This variant, c.800_802del, results in the deletion of 1 amino acid(s) of the PCDH19 protein (p.Glu267del), but otherwise preserves the integrity of the reading frame.